The following is an entry in ClinVar:

NM_001519.4(BRF1):c.777G>A (p.Thr259=)

Gene: BRF1 (BRF1 general transcription factor IIIB subunit; minus strand). Cytogenetic location: 14q32.33.
Variant type: single nucleotide variant.
Coding change: c.777G>A on transcript NM_001519.4 (MANE Select); coding-DNA position 777, G replaced by A.
Protein change: p.Thr259=; no amino-acid change (threonine 259 retained).
Molecular consequence: synonymous variant.
Genome position (GRCh38, 1-based): chr14:105,228,831, C>T on the plus strand (G>A on the coding strand, the complement: BRF1 is on the minus strand). VCF-style: chr14-105228831-C-T. GRCh37 (hg19) VCF-style: chr14-105695168-C-T.
Other names: c.432G>A, p.Thr144= (NM_001242786.2, NM_001242787.2); c.696G>A, p.Thr232= (NM_001242788.2); c.63G>A, p.Thr21= (NM_001242789.2); c.165G>A, p.Thr55= (NM_145685.3).
Identifiers: ClinVar variation 2644908 (VCV002644908.25), dbSNP rs140779507, ClinGen allele CA7387473.

ClinVar aggregate classification (germline): Likely benign. Review status: criteria provided, multiple submitters, no conflicts (2 of 4 stars). 2 submissions from 2 submitters: Likely benign (2). Last evaluated 2026-09-01.

Allele frequency attached by ClinVar (database versions not stated): 1000 Genomes Project 0.00040; 1000 Genomes Project 30x 0.00078; ESP Exome Variant Server 0.00092; ExAC 0.00106; gnomAD 0.00110.
gnomAD v4.1: 2,049 of 1,613,890 alleles (0.13%); highest among the groups gnomAD compares: Middle Eastern, 0.2%; 2 homozygotes.

Submissions (2):

CeGaT Center for Human Genetics Tuebingen
Classification: Likely benign. Last evaluated: 2026-09-01. Review status: criteria provided, single submitter. Criteria: CeGaT Center For Human Genetics Tuebingen Variant Classification Criteria Version 2. Collection method: clinical testing. Allele origin: germline. Affected: yes. Observed: 9 variant alleles.
Comment: BRF1: BP4, BP7

Blueprint Genetics
Classification: Likely benign. Last evaluated: 2024-11-21. Review status: criteria provided, single submitter. Criteria: ACMG Guidelines, 2015. Collection method: clinical testing. Allele origin: germline.